The following is an entry in ClinVar:

ClinVar aggregate classification (germline): Uncertain significance. Review status: criteria provided, multiple submitters, no conflicts (2 of 4 stars). 3 submissions from 3 submitters: Uncertain significance (3). Last evaluated 2022-08-27.

Conditions:
Charcot-Marie-Tooth disease axonal type 2U. Also called: CHARCOT-MARIE-TOOTH NEUROPATHY, TYPE 2U; CHARCOT-MARIE-TOOTH DISEASE, AXONAL, AUTOSOMAL DOMINANT, TYPE 2U. Identifiers: Orphanet 397735, MedGen C4084821, MONDO:0014566, OMIM 616280.
Charcot-Marie-Tooth disease. Also called: Charcot-Marie-Tooth Neuropathy; Charcot-Marie-Tooth Hereditary Neuropathy. Identifiers: Orphanet 166, MedGen C0007959, MONDO:0015626.

Allele frequency attached by ClinVar (database versions not stated): gnomAD exomes 0.00001.
gnomAD v4.1: 20 of 1,614,096 alleles (0.0012%); highest among the groups gnomAD compares: Non-Finnish European, 0.0015%; no homozygotes.

Submissions (3):

GeneDx
Classification: Uncertain significance. Last evaluated: 2022-08-27. Review status: criteria provided, single submitter. Criteria: GeneDx Variant Classification Process June 2021. Collection method: clinical testing. Allele origin: germline. Affected: yes.
Comment: Not observed at significant frequency in large population cohorts (gnomAD); In silico analysis supports that this missense variant has a deleterious effect on protein structure/function; This variant is associated with the following publications: (PMID: 28708278, 32376792, 33827397, 33236345, 31356216)

Care4Rare-SOLVE, CHEO
Classification: Uncertain significance for Charcot-Marie-Tooth disease axonal type 2U. Last evaluated: 2019-10-31. Review status: criteria provided, single submitter. Criteria: ACMG Guidelines, 2015. Collection method: research. Allele origin: germline. Affected: yes. Observed: 1 heterozygote. Study: Care4Rare.

Molecular Genetics Laboratory, London Health Sciences Centre
Classification: Uncertain significance for Charcot-Marie-Tooth disease. Review status: criteria provided, single submitter. Criteria: ACMG Guidelines, 2015. Collection method: clinical testing. Allele origin: germline. Affected: yes.

Literature cited by the submitters: PubMed 31356216 (cited by Care4Rare-SOLVE, CHEO).

NM_004990.4(MARS1):c.1189G>A (p.Ala397Thr)

Gene: MARS1 (methionyl-tRNA synthetase 1; plus strand). Cytogenetic location: 12q13.3.
Variant type: single nucleotide variant.
Coding change: c.1189G>A on transcript NM_004990.4 (MANE Select); coding-DNA position 1189, G replaced by A.
Protein change: p.Ala397Thr; replaces alanine 397 with threonine.
Molecular consequence: missense variant.
Genome position (GRCh38, 1-based): chr12:57,500,418, G>A. VCF-style: chr12-57500418-G-A. GRCh37 (hg19) VCF-style: chr12-57894201-G-A.
Other names: short protein forms A397T.
Identifiers: ClinVar variation 694266 (VCV000694266.3), dbSNP rs1594821331, ClinGen allele CA385457999.